The following is an entry in ClinVar:

ClinVar aggregate classification (germline): Uncertain significance (1 of 4 stars; one submission).

Conditions:
Familial thoracic aortic aneurysm and aortic dissection (TAAD). Also called: Thoracic aortic aneurysms and dissections. Identifiers: Orphanet 91387, MedGen C4707243, MONDO:0019625.
Hereditary cancer-predisposing syndrome. Also called: Neoplastic Syndromes, Hereditary; Tumor predisposition; Hereditary neoplastic syndrome; Hereditary Cancer Syndrome. Identifiers: Orphanet 140162, MedGen C0027672, MeSH D009386, MONDO:0015356.

Submission:

Ambry Genetics
Classification: Uncertain significance for Hereditary cancer-predisposing syndrome; Familial thoracic aortic aneurysm and aortic dissection. Last evaluated: 2022-12-07. Review status: criteria provided, single submitter. Criteria: Ambry Variant Classification Scheme 2023. Collection method: clinical testing. Allele origin: germline.
Comment: The p.N279Y variant (also known as c.835A>T), located in coding exon 6 of the SMAD4 gene, results from an A to T substitution at nucleotide position 835. The asparagine at codon 279 is replaced by tyrosine, an amino acid with dissimilar properties. This amino acid position is conserved. In addition, the in silico prediction for this alteration is inconclusive. Since supporting evidence is limited at this time, the clinical significance of this alteration remains unclear.

NM_005359.6(SMAD4):c.835A>T (p.Asn279Tyr)

Gene: SMAD4 (SMAD family member 4; plus strand). Cytogenetic location: 18q21.2.
Variant type: single nucleotide variant.
Coding change: c.835A>T on transcript NM_005359.6 (MANE Select); coding-DNA position 835, A replaced by T.
Protein change: p.Asn279Tyr; replaces asparagine 279 with tyrosine.
Molecular consequence: missense variant. On other transcripts: non-coding transcript variant (2).
Genome position (GRCh38, 1-based): chr18:51,058,387, A>T. VCF-style: chr18-51058387-A-T. GRCh37 (hg19) VCF-style: chr18-48584757-A-T.
Other names: c.835A>T, p.Asn279Tyr (NM_001407041.1, NM_001407042.1, NM_001407043.1); short protein forms N279Y.
Identifiers: ClinVar variation 2452510 (VCV002452510.2), dbSNP rs2144428855, ClinGen allele CA402463444.
Genomic context (GRCh38, chr18:51,058,387, plus strand): 5'-CCTTAATTTTTAGACAGCACTACCACCTGGACTGGAAGTAGGACTGCACCATACACACCT[A>T]ATTTGCCTCACCACCAAAACGGCCATCTTCAGCACCACCCGCCTATGCCGCCCCATCCCG-3'
Protein context (NP_005350.1, residues 269-289): TGSRTAPYTP[Asn279Tyr]LPHHQNGHLQ